The following is an entry in ClinVar:

NM_004035.7(ACOX1):c.908dup (p.Tyr303Ter)

Gene: ACOX1 (acyl-CoA oxidase 1; minus strand). Cytogenetic location: 17q25.1.
Variant type: Duplication.
Coding change: c.908dup on transcript NM_004035.7 (MANE Select); coding-DNA position 908, one base duplicated (A; older notation c.908dupA).
Protein change: p.Tyr303Ter; replaces tyrosine 303 with a stop codon.
Molecular consequence: nonsense.
Genome position (GRCh38, 1-based): chr17:75,953,487, T duplicated on the plus strand (A on the coding strand, the reverse complement: ACOX1 is on the minus strand). VCF-style (leftmost placement, unchanged base first): chr17-75953486-G-GT. GRCh37 (hg19) VCF-style: chr17-73949567-G-GT.
Other names: c.794dup, p.Tyr265Ter (NM_001185039.2); c.908dup, p.Tyr303Ter (NM_007292.6); short protein forms Y265*, Y303*.
Identifiers: ClinVar variation 3240957 (VCV003240957.2), dbSNP rs2546077811.
Genomic context (GRCh38, chr17:75,953,486, plus strand): 5'-AGCCCATCTAGGACCCTATCCTTACCCTGGCTTGATTTCAGACTGGTGCCTCACAGCGCT[G>GT]TATCGGATGGCAATGGTGCACGCCTTAGACAGAGCCCGAGCAGCTTCTCCCACAAGGAAG-3'

ClinVar aggregate classification (germline): Pathogenic/Likely pathogenic. Review status: criteria provided, multiple submitters, no conflicts (2 of 4 stars). 2 submissions from 2 submitters: Pathogenic (1); Likely pathogenic (1). Last evaluated 2024-02-26.

Conditions:
Acyl-CoA oxidase deficiency. Also called: STRAIGHT-CHAIN ACYL-CoA OXIDASE DEFICIENCY; Pseudoneonatal adrenoleukodystrophy; Peroxisomal acyl-CoA oxidase deficiency. Identifiers: Orphanet 2971, MedGen C1849678, MONDO:0009919, OMIM 264470. Disease mechanism: loss of function.
Mitchell syndrome. Identifiers: Orphanet 631248, MedGen C5394554, MONDO:0030073, OMIM 618960.

Submissions (2):

Baylor Genetics
Classification: Likely pathogenic for Mitchell syndrome. Last evaluated: 2024-02-26. Review status: criteria provided, single submitter. Criteria: ACMG Guidelines, 2015. Collection method: clinical testing. Allele origin: unknown.

3billion
Classification: Pathogenic for Acyl-CoA oxidase deficiency. Last evaluated: 2024-01-18. Review status: criteria provided, single submitter. Criteria: ACMG Guidelines, 2015. Collection method: clinical testing. Allele origin: germline. Affected: yes.
Comment: The variant is not observed in the gnomAD v2.1.1 dataset. Predicted Consequence/Location: Stop-gained (nonsense): predicted to result in a loss or disruption of normal protein function through nonsense-mediated decay (NMD) or protein truncation. Multiple pathogenic variants are reported downstream of the variant. Therefore, this variant is classified as Pathogenic according to the recommendation of ACMG/AMP guideline.